The following is an entry in ClinVar:

ClinVar aggregate classification (germline): Benign/Likely benign. Review status: criteria provided, multiple submitters, no conflicts (2 of 4 stars). 12 submissions from 10 submitters: Benign (8); Likely benign (3). 1 of the submissions does not count toward it. Last evaluated 2026-02-16.

Conditions:
Corticosterone methyloxidase type 2 deficiency. Also called: 18-OXIDASE DEFICIENCY; ALDOSTERONE DEFICIENCY DUE TO DEFICIENCY OF STEROID 18-OXIDASE; ALDOSTERONE DEFICIENCY II; CMO II DEFICIENCY; STEROID 18-OXIDASE DEFICIENCY. Identifiers: Orphanet 427, MedGen C3463917, MONDO:0012524, OMIM 610600. Disease mechanism: loss of function.
Corticosterone 18-monooxygenase deficiency. Also called: ALDOSTERONE DEFICIENCY DUE TO DEFECT IN STEROID 18-HYDROXYLASE; ALDOSTERONE DEFICIENCY I; CMO I DEFICIENCY; STEROID 18-HYDROXYLASE DEFICIENCY; 18 Hydroxylase deficiency; Aldosterone deficiency due to defect in 18 hydroxylase. Identifiers: Orphanet 427, MedGen C0268293, MONDO:0008751, OMIM 203400. Disease mechanism: loss of function.
Glucocorticoid-remediable aldosteronism. Also called: ALDOSTERONISM, SENSITIVE TO DEXAMETHASONE; ACTH-DEPENDENT HYPERALDOSTERONISM SYNDROME; FH I; GLUCOCORTICOID-SUPPRESSIBLE HYPERALDOSTERONISM; Hyperaldosteronism, familial, type I. Identifiers: Orphanet 403, MedGen C3838731, MONDO:0007080, OMIM 103900.

Allele frequency attached by ClinVar (database versions not stated): 1000 Genomes Project 30x 0.05684; ExAC 0.08633; gnomAD 0.08654; 1000 Genomes Project 0.05312.

Submissions (12):

Women's Health and Genetics/Laboratory Corporation of America, LabCorp
Classification: Likely benign. Last evaluated: 2026-02-16. Review status: criteria provided, single submitter. Criteria: LabCorp Variant Classification Summary - May 2015. Collection method: clinical testing. Allele origin: germline.

Labcorp Genetics (formerly Invitae), Labcorp
Classification: Benign. Last evaluated: 2026-02-04. Review status: criteria provided, single submitter. Criteria: Invitae Variant Classification Sherloc (09022015). Collection method: clinical testing. Allele origin: germline.

Blueprint Genetics
Classification: Likely benign. Last evaluated: 2024-11-27. Review status: criteria provided, single submitter. Criteria: ACMG Guidelines, 2015. Collection method: clinical testing. Allele origin: germline.

Fulgent Genetics
Classification: Likely benign for Corticosterone 18-monooxygenase deficiency; Corticosterone methyloxidase type 2 deficiency. Last evaluated: 2024-06-12. Review status: criteria provided, single submitter. Criteria: ACMG Guidelines, 2015. Collection method: clinical testing. Allele origin: germline.

Mayo Clinic Laboratories, Mayo Clinic
Classification: Benign. Last evaluated: 2022-11-16. Review status: criteria provided, single submitter. Criteria: ACMG Guidelines, 2015. Collection method: clinical testing. Allele origin: germline. Observed: 27 variant alleles.
Comment: BA1

Mendelics
Classification: Benign for Corticosterone methyloxidase type 2 deficiency. Last evaluated: 2019-05-28. Review status: criteria provided, single submitter. Criteria: Mendelics Assertion Criteria 2017. Collection method: clinical testing. Allele origin: unknown.

GeneDx
Classification: Benign. Last evaluated: 2018-09-06. Review status: criteria provided, single submitter. Criteria: GeneDx Variant Classification Process June 2021. Collection method: clinical testing. Allele origin: germline. Affected: yes.
Comment: This variant is associated with the following publications: (PMID: 20981092, 9703385, 27125267, 21237269, 1594605, 11174838, 22465514, 22995991, 10965212, 27884173, 7485152, 28190867, 16733366, 9814506, 30864636)

Illumina Laboratory Services, Illumina
Classification: Benign for Hyperaldosteronism, familial, type I. Last evaluated: 2017-04-27. Review status: criteria provided, single submitter. Criteria: ICSL Variant Classification Criteria 13 December 2019. Collection method: clinical testing. Allele origin: germline.
Comment: This variant was observed as part of a predisposition screen in an ostensibly healthy population. A literature search was performed for the gene, cDNA change, and amino acid change (where applicable). No publications were found based on this search. Allele frequency data from public databases was too high to be consistent with this variant causing disease. Therefore, this variant is classified as benign.

Illumina Laboratory Services, Illumina
Classification: Benign for Corticosterone methyloxidase type 2 deficiency. Last evaluated: 2017-04-27. Review status: criteria provided, single submitter. Criteria: ICSL Variant Classification Criteria 13 December 2019. Collection method: clinical testing. Allele origin: germline.
Comment: This variant was observed as part of a predisposition screen in an ostensibly healthy population. A literature search was performed for the gene, cDNA change, and amino acid change (where applicable). Publications were found based on this search. The evidence from the literature, in combination with allele frequency data from public databases where available, was sufficient to rule this variant out of causing disease. Therefore, this variant is classified as benign.

Illumina Laboratory Services, Illumina
Classification: Benign for Corticosterone 18-monooxygenase deficiency. Last evaluated: 2017-04-27. Review status: criteria provided, single submitter. Criteria: ICSL Variant Classification Criteria 13 December 2019. Collection method: clinical testing. Allele origin: germline.
Comment: the same text as in the submission from Illumina Laboratory Services, Illumina above.

Breakthrough Genomics
Classification: Benign. Review status: criteria provided, single submitter. Criteria: ACMG Guidelines, 2015. Collection method: not provided. Allele origin: germline. Inheritance: Autosomal recessive inheritance. Affected: yes.

Natera, Inc.
Classification: Likely benign for Corticosterone 18-monooxygenase deficiency. Last evaluated: 2020-02-15. Review status: no assertion criteria provided. Collection method: clinical testing. Allele origin: germline. Not counted in ClinVar's aggregate classification.

Literature cited by the submitters: PubMed 1594605 (cited by Illumina Laboratory Services, Illumina); PubMed 9703385 (cited by Illumina Laboratory Services, Illumina); PubMed 10965212 (cited by Illumina Laboratory Services, Illumina); PubMed 22465514 (cited by Illumina Laboratory Services, Illumina); PubMed 11174838 (cited by Illumina Laboratory Services, Illumina); PubMed 9814506 (cited by Illumina Laboratory Services, Illumina).

NM_000498.3(CYP11B2):c.1157T>C (p.Val386Ala)

Genes: CYP11B2 (cytochrome P450 family 11 subfamily B member 2; minus strand), LOC106799834 (CYP11B2 recombination region; plus strand). Cytogenetic location: 8q24.3.
Variant type: single nucleotide variant.
Coding change: c.1157T>C on transcript NM_000498.3 (MANE Select); coding-DNA position 1157, T replaced by C.
Protein change: p.Val386Ala; replaces valine 386 with alanine.
Molecular consequence: missense variant.
Genome position (GRCh38, 1-based): chr8:142,912,850, A>G on the plus strand (T>C on the coding strand, the complement: CYP11B2 is on the minus strand). VCF-style: chr8-142912850-A-G. GRCh37 (hg19) VCF-style: chr8-143994266-A-G.
Other names: short protein forms V386A.
Identifiers: ClinVar variation 242772 (VCV000242772.26), dbSNP rs61757294, ClinGen allele CA038824.